The following is an entry in ClinVar:

ClinVar aggregate classification (germline): Pathogenic (1 of 4 stars; one submission).

Conditions:
Primary ciliary dyskinesia. Also called: Ciliary dyskinesia. Identifiers: Orphanet 244, MedGen C0008780, MONDO:0016575, HP:0012265.

Submission:

Ambry Genetics
Classification: Pathogenic for Primary ciliary dyskinesia. Last evaluated: 2016-07-26. Review status: criteria provided, single submitter. Criteria: Ambry Variant Classification Scheme 2023. Collection method: clinical testing. Allele origin: germline.
Comment: The c.3898_3906delCAAGAATCTinsG pathogenic mutation, located in coding exon 21 of the DNAH11 gene, results from the deletion of 9 nucleotides and insertion of one nucleotide causing a translational frameshift with a predicted alternate stop codon (p.Q1300Dfs*5). This alteration is expected to result in loss of function by premature protein truncation or nonsense-mediated mRNA decay. As such, this alteration is interpreted as a disease-causing mutation.

NM_001277115.2(DNAH11):c.3898_3906delinsG (p.Gln1300fs)

Gene: DNAH11 (dynein axonemal heavy chain 11; plus strand). Cytogenetic location: 7p15.3.
Variant type: Indel.
Coding change: c.3898_3906delinsG on transcript NM_001277115.2 (MANE Select); coding-DNA positions 3898 to 3906, CAAGAATCT replaced by G.
Protein change: p.Gln1300fs; shifts the reading frame from glutamine 1300.
Molecular consequence: frameshift variant.
Genome position (GRCh38, 1-based): chr7:21,615,159-21,615,167, CAAGAATCT replaced by G. VCF-style: chr7-21615159-CAAGAATCT-G. GRCh37 (hg19) VCF-style: chr7-21654777-CAAGAATCT-G.
Other names: c.3898_3906delCAAGAATCTinsG, p.Gln1300Aspfs (NM_003777.3); short protein forms Q1300fs.
Identifiers: ClinVar variation 1735953 (VCV001735953.2), dbSNP rs2534689583, ClinGen allele CA2580076953.